The following is an entry in ClinVar:

ClinVar aggregate classification (germline): Likely benign. Review status: criteria provided, multiple submitters, no conflicts (2 of 4 stars). 3 submissions from 3 submitters: Likely benign (3). Last evaluated 2026-03-23.

Conditions:
CNGA3-related disorder. Also called: CNGA3-related condition.

Allele frequency attached by ClinVar (database versions not stated): gnomAD 0.00007; TOPMed 0.00015; 1000 Genomes Project 30x 0.00016; 1000 Genomes Project 0.00020.
gnomAD v4.1: 31 of 1,610,980 alleles (0.0019%); highest among the groups gnomAD compares: African/African-American, 0.032%; no homozygotes.

Submissions (3):

PreventionGenetics, part of Exact Sciences
Classification: Likely benign for CNGA3-related condition. Last evaluated: 2026-03-23. Review status: criteria provided, single submitter. Criteria: ACMG Guidelines, 2015. Collection method: clinical testing. Allele origin: germline.
Comment: This variant is classified as likely benign based on ACMG/AMP sequence variant interpretation guidelines (Richards et al. 2015 PMID: 25741868, with internal and published modifications).

Labcorp Genetics (formerly Invitae), Labcorp
Classification: Likely benign. Last evaluated: 2025-11-18. Review status: criteria provided, single submitter. Criteria: Invitae Variant Classification Sherloc (09022015). Collection method: clinical testing. Allele origin: germline.

Blueprint Genetics
Classification: Likely benign. Last evaluated: 2024-03-09. Review status: criteria provided, single submitter. Criteria: ACMG Guidelines, 2015. Collection method: clinical testing. Allele origin: germline.

NM_001298.3(CNGA3):c.1113C>A (p.Pro371=)

Gene: CNGA3 (cyclic nucleotide gated channel subunit alpha 3; plus strand). Cytogenetic location: 2q11.2.
Variant type: single nucleotide variant.
Coding change: c.1113C>A on transcript NM_001298.3 (MANE Select); coding-DNA position 1113, C replaced by A.
Protein change: p.Pro371=; no amino-acid change (proline 371 retained).
Molecular consequence: synonymous variant.
Genome position (GRCh38, 1-based): chr2:98,396,283, C>A. VCF-style: chr2-98396283-C-A. GRCh37 (hg19) VCF-style: chr2-99012746-C-A.
Other names: c.1059C>A, p.Pro353= (NM_001079878.2); c.1113C>A (NM_001298.2).
Identifiers: ClinVar variation 1087775 (VCV001087775.11), dbSNP rs532328081, ClinGen allele CA1793949.